The following is an entry in ClinVar:

ClinVar aggregate classification (germline): Uncertain significance (1 of 4 stars; one submission).

Conditions:
FGFR3-related chondrodysplasia. Identifiers: Orphanet 93420, MedGen C5681604, MONDO:0019685.

Submission:

Genomenon, Inc
Classification: Uncertain significance for FGFR3-related chondrodysplasia. Last evaluated: 2026-06-23. Review status: criteria provided, single submitter. Criteria: Genomenon Sequence Variant Interpretation Standards - Updated. Collection method: curation. Allele origin: germline. Affected: yes.
Comment: FGFR3 p.Cys11Ter (c.33C>A) is a nonsense variant that introduces a premature stop codon at amino acid position 11 and is predicted to result in a truncated or absent protein product. This variant has been observed in at least one proband with an FGFR3-related disorder (PMID:38774940). The variant was found to segregate with disease in at least one affected family (PMID:38774940). It is absent or not present at a significant frequency in gnomAD. In conclusion, we classify FGFR3 p.Cys11Ter (c.33C>A) as a variant of uncertain significance.

Literature cited by the submitters: PubMed 38774940.

NM_000142.5(FGFR3):c.33C>A (p.Cys11Ter)

Gene: FGFR3 (fibroblast growth factor receptor 3; plus strand). Cytogenetic location: 4p16.3.
Variant type: single nucleotide variant.
Coding change: c.33C>A on transcript NM_000142.5 (MANE Select); coding-DNA position 33, C replaced by A.
Protein change: p.Cys11Ter; replaces cysteine 11 with a stop codon.
Molecular consequence: nonsense. On other transcripts: non-coding transcript variant (1).
Genome position (GRCh38, 1-based): chr4:1,793,967, C>A. VCF-style: chr4-1793967-C-A. GRCh37 (hg19) VCF-style: chr4-1795694-C-A.
Other names: c.33C>A, p.Cys11Ter (NM_001163213.2, NM_001354809.2, NM_001354810.2 and 1 more transcripts); short protein forms C11*.
Identifiers: ClinVar variation 4857776 (VCV004857776.1).
Genomic context (GRCh38, chr4:1,793,967, plus strand): 5'-TGAGGACGCCGCGGCCCCCGCCCCCGCCATGGGCGCCCCTGCCTGCGCCCTCGCGCTCTG[C>A]GTGGCCGTGGCCATCGTGGCCGGCGCCTCCTCGGAGTCCTTGGGGACGGAGCAGCGCGTC-3'